The following is an entry in ClinVar:

NC_000023.10:g.(31525571_31645789)_(31838201_31854834)dup

Gene: DMD (dystrophin; minus strand). Cytogenetic location: Xp21.1.
Variant type: Duplication.
Identifiers: ClinVar variation 1677191 (VCV001677191.1).

ClinVar aggregate classification (germline): Pathogenic (1 of 4 stars; one submission).

Conditions:
Neuromuscular disease caused by qualitative or quantitative defects of dystrophin. Also called: Qualitative or quantitative defects of dystrophin. Identifiers: Orphanet 207085, MedGen C5679787, MONDO:0016147.

Submission:

Women's Health and Genetics/Laboratory Corporation of America, LabCorp
Classification: Pathogenic for Neuromuscular disease caused by qualitative or quantitative defects of dystrophin. Last evaluated: 2022-03-25. Review status: criteria provided, single submitter. Criteria: LabCorp Variant Classification Summary - May 2015. Collection method: clinical testing. Allele origin: germline.
Comment: Variant summary: The variant identified by MLPA or other technology involves the duplication of exons 50-55 in the DMD gene. A presumed nomenclature of c.(7200+1_7201-1)_(8217+1_8218-1)dup has been designated for the purposes of this classification. It has been assumed that this is a tandem duplication in direct orientation (Richardson_GIM_2018, Newman_AJHG_2015). Although exact breakpoints of this duplication are not known, it is expected to result in a large in-frame duplication change in the DMD gene. The variant was absent in 15814 control chromosomes (gnomAD database, structural variants dataset). The variant, c.(7200+1_7201-1)_(8217+1_8218-1)dup, has been reported in the literature in several individuals affected with Dystrophinopathies (e.g. White_2002, Flanigan_2009, Okubo_2016, Lim_2020). These data indicate that the variant is very likely to be associated with disease. To our knowledge, no experimental evidence demonstrating an impact on protein function has been reported. One clinical diagnostic laboratory has submitted clinical-significance assessments for this variant to ClinVar after 2014, and classified the variant as pathogenic. Based on the evidence outlined above, the variant was classified as pathogenic.

Literature cited by the submitters: PubMed 19937601; PubMed 26911353; PubMed 12111668; PubMed 33238405.